The following is an entry in ClinVar:

NM_004064.5(CDKN1B):c.397C>T (p.Pro133Ser)

Gene: CDKN1B (cyclin dependent kinase inhibitor 1B; plus strand). Cytogenetic location: 12p13.1.
Variant type: single nucleotide variant.
Coding change: c.397C>T on transcript NM_004064.5 (MANE Select); coding-DNA position 397, C replaced by T.
Protein change: p.Pro133Ser; replaces proline 133 with serine.
Molecular consequence: missense variant.
Genome position (GRCh38, 1-based): chr12:12,718,236, C>T. VCF-style: chr12-12718236-C-T. GRCh37 (hg19) VCF-style: chr12-12871170-C-T.
Other names: short protein forms P133S.
Identifiers: ClinVar variation 856661 (VCV000856661.14), dbSNP rs137985549, ClinGen allele CA6457486.

ClinVar aggregate classification (germline): Uncertain significance. Review status: criteria provided, multiple submitters, no conflicts (2 of 4 stars). 3 submissions from 3 submitters: Uncertain significance (3). Last evaluated 2025-09-09.

Conditions:
Multiple endocrine neoplasia type 4. Also called: MULTIPLE ENDOCRINE NEOPLASIA, TYPE IV. Identifiers: Orphanet 276152, MedGen C1970712, MONDO:0012552, OMIM 610755.
Hereditary cancer-predisposing syndrome. Also called: Hereditary neoplastic syndrome; Tumor predisposition; Neoplastic Syndromes, Hereditary; Hereditary Cancer Syndrome. Identifiers: Orphanet 140162, MedGen C0027672, MeSH D009386, MONDO:0015356.

gnomAD v4.1: 4 of 1,612,082 alleles (0.00025%); highest among the groups gnomAD compares: Non-Finnish European, 0.00025%; no homozygotes.

Submissions (3):

Labcorp Genetics (formerly Invitae), Labcorp
Classification: Uncertain significance for Multiple endocrine neoplasia type 4. Last evaluated: 2025-09-09. Review status: criteria provided, single submitter. Criteria: Invitae Variant Classification Sherloc (09022015). Collection method: clinical testing. Allele origin: germline.
Comment: This sequence change replaces proline, which is neutral and non-polar, with serine, which is neutral and polar, at codon 133 of the CDKN1B protein (p.Pro133Ser). This variant is present in population databases (rs137985549, gnomAD 0.002%). This variant has not been reported in the literature in individuals affected with CDKN1B-related conditions. ClinVar contains an entry for this variant (Variation ID: 856661). An algorithm developed to predict the effect of missense changes on protein structure and function (PolyPhen-2) suggests that this variant is likely to be tolerated. In summary, the available evidence is currently insufficient to determine the role of this variant in disease. Therefore, it has been classified as a Variant of Uncertain Significance.

Ambry Genetics
Classification: Uncertain significance for Hereditary cancer-predisposing syndrome. Last evaluated: 2024-12-17. Review status: criteria provided, single submitter. Criteria: Ambry Variant Classification Scheme 2023. Collection method: clinical testing. Allele origin: germline.
Comment: The p.P133S variant (also known as c.397C>T), located in coding exon 1 of the CDKN1B gene, results from a C to T substitution at nucleotide position 397. The proline at codon 133 is replaced by serine, an amino acid with similar properties. This amino acid position is poorly conserved in available vertebrate species. In addition, this alteration is predicted to be tolerated by in silico analysis. Since supporting evidence is limited at this time, the clinical significance of this alteration remains unclear.

GeneDx
Classification: Uncertain significance. Last evaluated: 2023-11-03. Review status: criteria provided, single submitter. Criteria: GeneDx Variant Classification Process June 2021. Collection method: clinical testing. Allele origin: germline. Affected: yes.
Comment: Not observed at significant frequency in large population cohorts (gnomAD); In silico analysis supports that this missense variant does not alter protein structure/function; Has not been previously published as pathogenic or benign to our knowledge